The following is an entry in ClinVar:

NC_000023.11:g.(?_32614283)_(32645172_?)del

Gene: DMD (dystrophin; minus strand). Cytogenetic location: Xp21.1.
Variant type: Deletion.
Identifiers: ClinVar variation 833002 (VCV000833002.2).

ClinVar aggregate classification (germline): Pathogenic (1 of 4 stars; one submission).

Conditions:
Duchenne muscular dystrophy (DMD). Also called: Duchenne Muscular Dystrophy (DMD); MUSCULAR DYSTROPHY, PSEUDOHYPERTROPHIC PROGRESSIVE, DUCHENNE TYPE. Identifiers: Orphanet 98896, MedGen C0013264, MONDO:0010679, OMIM 310200.

Submission:

Labcorp Genetics (formerly Invitae), Labcorp
Classification: Pathogenic for Duchenne muscular dystrophy. Last evaluated: 2022-02-27. Review status: criteria provided, single submitter. Criteria: Invitae Variant Classification Sherloc (09022015). Collection method: clinical testing. Allele origin: germline.
Comment: This variant is a gross deletion of the genomic region encompassing exon(s) 10-12 of the DMD gene. This variant would be expected to be in-frame, preserving the integrity of the reading frame. A similar copy number variant has been observed in individuals with dystrophinopathies (PMID: 19937601, 21815800, 29604111). For these reasons, this variant has been classified as Pathogenic.

Literature cited by the submitters: PubMed 19937601; PubMed 21815800; PubMed 29604111.